The following is an entry in ClinVar:

ClinVar aggregate classification (germline): Conflicting classifications of pathogenicity. Review status: criteria provided, conflicting classifications (1 of 4 stars). 3 submissions from 3 submitters: Uncertain significance (2); Likely benign (1). Last evaluated 2025-12-29.

Conditions:
Inborn genetic diseases. Identifiers: MedGen C0950123, MeSH D030342.
Facioscapulohumeral muscular dystrophy 2 (FSHD2). Also called: FACIOSCAPULOHUMERAL MUSCULAR DYSTROPHY 2, DIGENIC; FSHD2, DIGENIC; MUSCULAR DYSTROPHY, FACIOSCAPULOHUMERAL, TYPE 1B. Identifiers: Orphanet 269, MedGen C1834671, MONDO:0008031, OMIM 158901.

Allele frequency attached by ClinVar (database versions not stated): ExAC 0.00006; gnomAD exomes 0.00006; ESP Exome Variant Server 0.00008; TOPMed 0.00012; gnomAD 0.00014 and 0.00015.

Submissions (3):

Labcorp Genetics (formerly Invitae), Labcorp
Classification: Uncertain significance for Facioscapulohumeral muscular dystrophy 2. Last evaluated: 2025-12-29. Review status: criteria provided, single submitter. Criteria: Invitae Variant Classification Sherloc (09022015). Collection method: clinical testing. Allele origin: germline.
Comment: This sequence change replaces valine, which is neutral and non-polar, with isoleucine, which is neutral and non-polar, at codon 1369 of the SMCHD1 protein (p.Val1369Ile). This variant is present in population databases (rs375198512, gnomAD 0.03%). This variant has not been reported in the literature in individuals affected with SMCHD1-related conditions. ClinVar contains an entry for this variant (Variation ID: 289681). Invitae Evidence Modeling of protein sequence and biophysical properties (such as structural, functional, and spatial information, amino acid conservation, physicochemical variation, residue mobility, and thermodynamic stability) indicates that this missense variant is not expected to disrupt SMCHD1 protein function with a negative predictive value of 80%. In summary, the available evidence is currently insufficient to determine the role of this variant in disease. Therefore, it has been classified as a Variant of Uncertain Significance.

Ambry Genetics
Classification: Likely benign for Inborn genetic diseases. Last evaluated: 2025-07-31. Review status: criteria provided, single submitter. Criteria: Ambry Variant Classification Scheme 2023. Collection method: clinical testing. Allele origin: germline.

Eurofins Ntd Llc (ga)
Classification: Uncertain significance. Last evaluated: 2016-07-27. Review status: criteria provided, single submitter. Criteria: EGL Classification Definitions 2015. Collection method: clinical testing. Allele origin: germline. Observed: 1 variant allele, 1 heterozygote.

NM_015295.3(SMCHD1):c.4105G>A (p.Val1369Ile)

Gene: SMCHD1 (structural maintenance of chromosomes flexible hinge domain containing 1; plus strand). Cytogenetic location: 18p11.32.
Variant type: single nucleotide variant.
Coding change: c.4105G>A on transcript NM_015295.3 (MANE Select); coding-DNA position 4105, G replaced by A.
Protein change: p.Val1369Ile; replaces valine 1369 with isoleucine.
Molecular consequence: missense variant.
Genome position (GRCh38, 1-based): chr18:2,750,447, G>A. VCF-style: chr18-2750447-G-A. GRCh37 (hg19) VCF-style: chr18-2750445-G-A.
Other names: short protein forms V1369I.
Identifiers: ClinVar variation 289681 (VCV000289681.14), dbSNP rs375198512, ClinGen allele CA8871384.